The following is an entry in ClinVar:

NM_000552.5(VWF):c.7604G>A (p.Arg2535Gln)

Gene: VWF (von Willebrand factor; minus strand). Cytogenetic location: 12p13.31.
Variant type: single nucleotide variant.
Coding change: c.7604G>A on transcript NM_000552.5 (MANE Select); coding-DNA position 7604, G replaced by A.
Protein change: p.Arg2535Gln; replaces arginine 2535 with glutamine.
Molecular consequence: missense variant.
Genome position (GRCh38, 1-based): chr12:5,969,336, C>T on the plus strand (G>A on the coding strand, the complement: VWF is on the minus strand). VCF-style: chr12-5969336-C-T. GRCh37 (hg19) VCF-style: chr12-6078502-C-T.
Other names: c.7604G>A (NM_000552.3); short protein forms R2535Q.
Identifiers: ClinVar variation 2682128 (VCV002682128.4), dbSNP rs137987906, ClinGen allele CA6401605.
Genomic context (GRCh38, chr12:5,969,336, plus strand): 5'-GGGACCTCCAGCTGGGGGCAGGAGACGTTCCTTTGTTGTATAAAGACCTCCTCCTTCACT[C>T]GGACACACTCATTGATGAGGCAGGGGTTCTCCGGGGAGGCCCACTGGGAGCCGACCTGCA-3'
Protein context (NP_000543.3, residues 2525-2545): ENPCLINECV[Arg2535Gln]VKEEVFIQQR

ClinVar aggregate classification (germline): Uncertain significance. Review status: criteria provided, multiple submitters, no conflicts (2 of 4 stars). 4 submissions from 4 submitters: Uncertain significance (4). Last evaluated 2025-09-10.

Conditions:
von Willebrand disease type 1 (VWD1). Also called: VWD, TYPE 1; VON WILLEBRAND DISEASE, TYPE I. Identifiers: Orphanet 166078, Orphanet 903, MedGen C1264039, MONDO:0008668, OMIM 193400. Inheritance: autosomal recessive or autosomal dominant.

Allele frequency attached by ClinVar (database versions not stated): gnomAD 0.00005; TOPMed 0.00006; ExAC 0.00012; ESP Exome Variant Server 0.00015; 1000 Genomes Project 30x 0.00016; 1000 Genomes Project 0.00020.
gnomAD v4.1: 148 of 1,614,182 alleles (0.0092%); highest among the groups gnomAD compares: South Asian, 0.049%; no homozygotes.

Submissions (4):

Genomic Medicine Center of Excellence, King Faisal Specialist Hospital and Research Centre
Classification: Uncertain significance for von Willebrand disease type 1. Last evaluated: 2025-09-10. Review status: criteria provided, single submitter. Criteria: ACMG Guidelines, 2015. Collection method: clinical testing. Allele origin: germline.

GeneDx
Classification: Uncertain significance. Last evaluated: 2024-10-22. Review status: criteria provided, single submitter. Criteria: GeneDx Variant Classification Process June 2021. Collection method: clinical testing. Allele origin: germline. Affected: yes.
Comment: In silico analysis indicates that this missense variant does not alter protein structure/function; This variant is associated with the following publications: (PMID: 24675615, 29984440, 37647632, 34272389, 37466676)

Quest Diagnostics Nichols Institute San Juan Capistrano
Classification: Uncertain significance. Last evaluated: 2023-04-28. Review status: criteria provided, single submitter. Criteria: Quest Diagnostics criteria. Collection method: clinical testing. Allele origin: unknown.
Comment: The frequency of this variant in the general population, 0.00059 (18/30614 chromosomes), is uninformative in assessment of its pathogenicity. In the published literature, the variant has been reported in affected individuals with VWD Type 3 (PMIDs: 24675615 (2014) and 29984440 (2018)). Analysis of this variant using bioinformatics tools for the prediction of the effect of amino acid changes on protein structure and function yielded conflicting predictions that this variant is deleterious or benign. Based on the available information, we are unable to determine the clinical significance of this variant.

Blueprint Genetics
Classification: Uncertain significance. Last evaluated: 2023-01-17. Review status: criteria provided, single submitter. Criteria: ACMG Guidelines, 2015. Collection method: clinical testing. Allele origin: germline.

Literature cited by the submitters: PubMed 29984440 (cited by Quest Diagnostics Nichols Institute San Juan Capistrano); PubMed 24675615 (cited by Quest Diagnostics Nichols Institute San Juan Capistrano); PubMed 34272389 (cited by Quest Diagnostics Nichols Institute San Juan Capistrano).